The following is an entry in ClinVar:

ClinVar aggregate classification (germline): Conflicting classifications of pathogenicity. Review status: criteria provided, conflicting classifications (1 of 4 stars). 3 submissions from 3 submitters: Uncertain significance (1); Benign (1). 1 of the submissions does not count toward it. Last evaluated 2017-10-30.

Conditions:
Maturity-onset diabetes of the young (MODY). Also called: Maturity onset diabetes mellitus in young. Identifiers: Orphanet 552, MedGen C0342276, MONDO:0018911, HP:0004904.
HNF1A-related disorder. Also called: HNF1A-related condition.

Allele frequency attached by ClinVar (database versions not stated): gnomAD 0.00029 and 0.00028; TOPMed 0.00038.

Submissions (3):

GeneDx
Classification: Uncertain significance. Last evaluated: 2017-10-30. Review status: criteria provided, single submitter. Criteria: GeneDx Variant Classification (06012015). Collection method: clinical testing. Allele origin: germline. Affected: yes.
Comment: The c.-467 C>T variant has not been published as a pathogenic variant, nor has it been reported as a benign variant to our knowledge. The variant is observed in 4/8716 (0.046%) alleles from individuals of African background in large population cohorts (Lek et al., 2016). This variant occurs at a position that is not conserved. Other regulatory variants, including nearby c.-462G>A, have been reported in the Human Gene Mutation Database in association with HNF1A-associated disorders (Stenson et al., 2014). In summary, based on the currently available information, it is unclear whether this variant is a pathogenic variant or a rare benign variant.

Clinical Genomics, Uppaluri K&H Personalized Medicine Clinic
Classification: Benign for Maturity-onset diabetes of the young. Review status: criteria provided, single submitter. Criteria: K & H Uppaluri Personalized Medicine Clinic Variant Classification & Assertion Criteria_Updated V.1. Collection method: research. Allele origin: unknown. Inheritance: Autosomal dominant inheritance.
Comment: Mutations in HNF1A gene can predispose to MODY3. It is associated with both micro and macrovascular complications of diabetes, especially cardiovascular complications. Associated with glucosuria. May respond well to sulfonylureas. However, more evidence is required to confer the association of this particular variant rs1039479235 with MODY3.

PreventionGenetics, part of Exact Sciences
Classification: Uncertain significance for HNF1A-related condition. Last evaluated: 2024-08-05. Review status: no assertion criteria provided. Collection method: clinical testing. Allele origin: germline. Not counted in ClinVar's aggregate classification.
Comment: The HNF1A c.-467C>T variant is located in the 5' untranslated region. To our knowledge, this variant has not been reported in the literature. Of note, other pre-coding variants have been reported in patients with maturity onset diabetes of the young (MODY) or type 2 diabetes (see for example at Colclough et al. 2013. PubMed ID: 23348805; Cox et al. 1999. PubMed ID: 10027593). This variant is reported in 0.046% of alleles in individuals of African descent in gnomAD. At this time, the clinical significance of this variant is uncertain due to the absence of conclusive functional and genetic evidence.

Literature cited by the submitters: PubMed 31517624 (cited by Clinical Genomics, Uppaluri K&H Personalized Medicine Clinic); PubMed 32395877 (cited by Clinical Genomics, Uppaluri K&H Personalized Medicine Clinic); PubMed 35328643 (cited by Clinical Genomics, Uppaluri K&H Personalized Medicine Clinic); PubMed 35673428 (cited by Clinical Genomics, Uppaluri K&H Personalized Medicine Clinic).

NC_000012.12:g.120978302C>T

Gene: HNF1A (HNF1 homeobox A; plus strand). Cytogenetic location: 12q24.31.
Variant type: single nucleotide variant.
Genome position: GRCh38 VCF-style: chr12-120978302-C-T. GRCh37 (hg19) VCF-style: chr12-121416105-C-T.
Identifiers: ClinVar variation 449034 (VCV000449034.6), dbSNP rs1039479235, ClinGen allele CA244520014.